The following is an entry in ClinVar:

ClinVar aggregate classification (germline): Uncertain significance (1 of 4 stars; one submission).

Submission:

Labcorp Genetics (formerly Invitae), Labcorp
Classification: Uncertain significance. Last evaluated: 2025-04-22. Review status: criteria provided, single submitter. Criteria: Invitae Variant Classification Sherloc (09022015). Collection method: clinical testing. Allele origin: germline.
Comment: This sequence change replaces proline, which is neutral and non-polar, with leucine, which is neutral and non-polar, at codon 147 of the SPINT2 protein (p.Pro147Leu). This variant is not present in population databases (gnomAD no frequency). This variant has not been reported in the literature in individuals affected with SPINT2-related conditions. Invitae Evidence Modeling of protein sequence and biophysical properties (such as structural, functional, and spatial information, amino acid conservation, physicochemical variation, residue mobility, and thermodynamic stability) indicates that this missense variant is not expected to disrupt SPINT2 protein function with a negative predictive value of 80%. In summary, the available evidence is currently insufficient to determine the role of this variant in disease. Therefore, it has been classified as a Variant of Uncertain Significance.

NM_021102.4(SPINT2):c.440C>T (p.Pro147Leu)

Gene: SPINT2 (serine peptidase inhibitor, Kunitz type 2; plus strand). Cytogenetic location: 19q13.2.
Variant type: single nucleotide variant.
Coding change: c.440C>T on transcript NM_021102.4 (MANE Select); coding-DNA position 440, C replaced by T.
Protein change: p.Pro147Leu; replaces proline 147 with leucine.
Molecular consequence: missense variant.
Genome position (GRCh38, 1-based): chr19:38,290,167, C>T. VCF-style: chr19-38290167-C-T. GRCh37 (hg19) VCF-style: chr19-38780807-C-T.
Other names: c.269C>T, p.Pro90Leu (NM_001166103.2); short protein forms P147L, P90L.
Identifiers: ClinVar variation 4723025 (VCV004723025.1).